The following is an entry in ClinVar:

ClinVar aggregate classification (germline): Uncertain significance (1 of 4 stars; one submission).

Submission:

GeneDx
Classification: Uncertain significance. Last evaluated: 2022-10-12. Review status: criteria provided, single submitter. Criteria: GeneDx Variant Classification Process June 2021. Collection method: clinical testing. Allele origin: germline. Affected: yes.
Comment: Not observed at significant frequency in large population cohorts (gnomAD); Has not been previously published as pathogenic or benign to our knowledge; Variants in candidate genes are classified as variants of uncertain significance in accordance with ACMG guidelines (Richards et al., 2015); Nonsense variant predicted to result in protein truncation or nonsense mediated decay in a gene or region of a gene for which loss of function is not a known mechanism of disease

NM_004982.4(KCNJ8):c.604C>T (p.Arg202Ter)

Genes: KCNJ8 (potassium inwardly rectifying channel subfamily J member 8; minus strand), KCNJ8-AS1 (KCNJ8 antisense RNA 1; plus strand). Cytogenetic location: 12p12.1.
Variant type: single nucleotide variant.
Coding change: c.604C>T on transcript NM_004982.4 (MANE Select); coding-DNA position 604, C replaced by T.
Protein change: p.Arg202Ter; replaces arginine 202 with a stop codon.
Molecular consequence: nonsense.
Genome position (GRCh38, 1-based): chr12:21,766,394, G>A on the plus strand (C>T on the coding strand, the complement: KCNJ8 is on the minus strand). VCF-style: chr12-21766394-G-A. GRCh37 (hg19) VCF-style: chr12-21919328-G-A.
Other names: short protein forms R202*.
Identifiers: ClinVar variation 3893339 (VCV003893339.1).